The following is an entry in ClinVar:

ClinVar aggregate classification (germline): Uncertain significance (1 of 4 stars; one submission).

Submission:

Labcorp Genetics (formerly Invitae), Labcorp
Classification: Uncertain significance. Last evaluated: 2024-04-05. Review status: criteria provided, single submitter. Criteria: Invitae Variant Classification Sherloc (09022015). Collection method: clinical testing. Allele origin: germline.
Comment: This sequence change replaces alanine, which is neutral and non-polar, with aspartic acid, which is acidic and polar, at codon 1860 of the CACNA1E protein (p.Ala1860Asp). This variant is not present in population databases (gnomAD no frequency). This variant has not been reported in the literature in individuals affected with CACNA1E-related conditions. ClinVar contains an entry for this variant (Variation ID: 2080177). An algorithm developed to predict the effect of missense changes on protein structure and function (PolyPhen-2) suggests that this variant is likely to be disruptive. In summary, the available evidence is currently insufficient to determine the role of this variant in disease. Therefore, it has been classified as a Variant of Uncertain Significance.

NM_001205293.3(CACNA1E):c.5579C>A (p.Ala1860Asp)

Gene: CACNA1E (calcium voltage-gated channel subunit alpha1 E; plus strand). Cytogenetic location: 1q25.3.
Variant type: single nucleotide variant.
Coding change: c.5579C>A on transcript NM_001205293.3 (MANE Select); coding-DNA position 5579, C replaced by A.
Protein change: p.Ala1860Asp; replaces alanine 1860 with aspartic acid.
Molecular consequence: missense variant.
Genome position (GRCh38, 1-based): chr1:181,785,318, C>A. VCF-style: chr1-181785318-C-A. GRCh37 (hg19) VCF-style: chr1-181754454-C-A.
Other names: c.5579C>A, p.Ala1860Asp (NM_000721.4); c.5522C>A, p.Ala1841Asp (NM_001205294.2); short protein forms A1841D, A1860D.
Identifiers: ClinVar variation 2080177 (VCV002080177.4), dbSNP rs2529252121, ClinGen allele CA343631307.